The following is an entry in ClinVar:

ClinVar aggregate classification (germline): Likely benign (1 of 4 stars; one submission).

Conditions:
HTR2C-related disorder. Also called: HTR2C-related condition.

gnomAD v4.1: 22 of 1,130,969 alleles (0.0019%); highest among the groups gnomAD compares: Non-Finnish European, 0.0026%; no homozygotes.

Submission:

PreventionGenetics, part of Exact Sciences
Classification: Likely benign for HTR2C-related condition. Last evaluated: 2026-03-18. Review status: criteria provided, single submitter. Criteria: ACMG Guidelines, 2015. Collection method: clinical testing. Allele origin: germline.
Comment: This variant is classified as likely benign based on ACMG/AMP sequence variant interpretation guidelines (Richards et al. 2015 PMID: 25741868, with internal and published modifications).

NM_000868.4(HTR2C):c.-3A>G

Gene: HTR2C (5-hydroxytryptamine receptor 2C; plus strand). Cytogenetic location: Xq23.
Variant type: single nucleotide variant.
Coding change: c.-3A>G on transcript NM_000868.4 (MANE Select); 3 bases upstream of the start codon, A replaced by G.
Molecular consequence: 5 prime UTR variant.
Genome position (GRCh38, 1-based): chrX:114,726,934, A>G. VCF-style: chrX-114726934-A-G. GRCh37 (hg19) VCF-style: chrX-113961343-A-G.
Other names: c.-3A>G (NM_001256760.3, NM_001256761.3).
Identifiers: ClinVar variation 4981350 (VCV004981350.1).
Genomic context (GRCh38, chrX:114,726,934, plus strand): 5'-AACCTAGCCTGTTAATTTCGTCTTCTCAATTTTAAACTTTGGTTGCTTAAGACTGAAGCA[A>G]TCATGGTGAACCTGAGGAATGCGGTGCATTCATTCCTGTAAGGATGTTACTACTTATTAT-3'